The following is an entry in ClinVar:

ClinVar aggregate classification (germline): Likely benign. Review status: criteria provided, multiple submitters, no conflicts (2 of 4 stars). 2 submissions from 2 submitters: Likely benign (2). Last evaluated 2026-04-12.

Conditions:
IFT140-related disorder. Also called: IFT140-related condition.
Saldino-Mainzer syndrome (SRTD9). Also called: CONORENAL SYNDROME; Renal dysplasia, retinal pigmentary dystrophy, cerebellar ataxia and skeletal dysplasia; short-rib thoracic dysplasia 9 with or without polydactyly; SHORT-RIB THORACIC DYSPLASIA 9 WITHOUT POLYDACTYLY. Identifiers: Orphanet 140969, MedGen C1849437, MONDO:0009964, OMIM 266920.

gnomAD v4.1: 19 of 1,614,018 alleles (0.0012%); highest among the groups gnomAD compares: South Asian, 0.0055%; no homozygotes.

Submissions (2):

PreventionGenetics, part of Exact Sciences
Classification: Likely benign for IFT140-related condition. Last evaluated: 2026-04-12. Review status: criteria provided, single submitter. Criteria: ACMG Guidelines, 2015. Collection method: clinical testing. Allele origin: germline.
Comment: This variant is classified as likely benign based on ACMG/AMP sequence variant interpretation guidelines (Richards et al. 2015 PMID: 25741868, with internal and published modifications).

Labcorp Genetics (formerly Invitae), Labcorp
Classification: Likely benign for Saldino-Mainzer syndrome. Last evaluated: 2026-01-29. Review status: criteria provided, single submitter. Criteria: Invitae Variant Classification Sherloc (09022015). Collection method: clinical testing. Allele origin: germline.

NM_014714.4(IFT140):c.216G>A (p.Thr72=)

Genes: IFT140 (intraflagellar transport 140; minus strand), LOC105371046 (uncharacterized LOC105371046; plus strand). Cytogenetic location: 16p13.3.
Variant type: single nucleotide variant.
Coding change: c.216G>A on transcript NM_014714.4 (MANE Select); coding-DNA position 216, G replaced by A.
Protein change: p.Thr72=; no amino-acid change (threonine 72 retained).
Molecular consequence: synonymous variant.
Genome position (GRCh38, 1-based): chr16:1,602,523, C>T on the plus strand (G>A on the coding strand, the complement: IFT140 is on the minus strand). VCF-style: chr16-1602523-C-T. GRCh37 (hg19) VCF-style: chr16-1652524-C-T.
Other names: c.216G>A (NM_014714.3).
Identifiers: ClinVar variation 4736891 (VCV004736891.2).